The following is an entry in ClinVar:

ClinVar aggregate classification (germline): Uncertain significance. Review status: criteria provided, multiple submitters, no conflicts (2 of 4 stars). 2 submissions from 2 submitters: Uncertain significance (2). Last evaluated 2025-11-15.

Conditions:
Familial thoracic aortic aneurysm and aortic dissection (TAAD). Also called: Thoracic aortic aneurysms and dissections. Identifiers: Orphanet 91387, MedGen C4707243, MONDO:0019625.

Allele frequency attached by ClinVar (database versions not stated): gnomAD 0.00001; TOPMed 0.00001.
gnomAD v4.1: 1 of 1,614,002 alleles (0.000062%); highest among the groups gnomAD compares: African/African-American, 0.0013%; no homozygotes.

Submissions (2):

Ambry Genetics
Classification: Uncertain significance for Familial thoracic aortic aneurysm and aortic dissection. Last evaluated: 2025-11-15. Review status: criteria provided, single submitter. Criteria: Ambry Variant Classification Scheme 2023. Collection method: clinical testing. Allele origin: germline.
Comment: The p.H683R variant (also known as c.2048A>G), located in coding exon 15 of the MYH11 gene, results from an A to G substitution at nucleotide position 2048. The histidine at codon 683 is replaced by arginine, an amino acid with highly similar properties. This amino acid position is conserved. In addition, this alteration is predicted to be deleterious by in silico analysis. Based on the available evidence, the clinical significance of this variant remains unclear.

AiLife Diagnostics
Classification: Uncertain significance. Last evaluated: 2022-02-23. Review status: criteria provided, single submitter. Criteria: ACMG Guidelines, 2015. Collection method: clinical testing. Allele origin: germline. Affected: yes. Observed: 1 variant allele.

NM_002474.3(MYH11):c.2048A>G (p.His683Arg)

Gene: MYH11 (myosin heavy chain 11; minus strand). Cytogenetic location: 16p13.11.
Variant type: single nucleotide variant.
Coding change: c.2048A>G on transcript NM_002474.3 (MANE Select); coding-DNA position 2048, A replaced by G.
Protein change: p.His683Arg; replaces histidine 683 with arginine.
Molecular consequence: missense variant.
Genome position (GRCh38, 1-based): chr16:15,750,148, T>C on the plus strand (A>G on the coding strand, the complement: MYH11 is on the minus strand). VCF-style: chr16-15750148-T-C. GRCh37 (hg19) VCF-style: chr16-15844005-T-C.
Other names: c.2048A>G (NM_002474.2); c.2069A>G, p.His690Arg (NM_001040113.2, NM_001040114.2); c.2048A>G, p.His683Arg (NM_022844.3); short protein forms H683R, H690R.
Identifiers: ClinVar variation 1677977 (VCV001677977.2), dbSNP rs980710782, ClinGen allele CA278638491.
Genomic context (GRCh38, chr16:15,750,148, plus strand): 5'-GGGACAGCCCTGGCTTCTGGGAGCCCCAGGGTCTGGGCGGCGGGCCTCACCCTCTTCTCG[T>C]GGTTGGGGATGATGCAGCGCACGAAGTTGGGCGTGGTGTTGCGTAGCGTGGTCATCAGCT-3'
Protein context (NP_002465.1, residues 673-693): PNFVRCIIPN[His683Arg]EKRSGKLDAF